The following is an entry in ClinVar:

NM_001321120.2(TBX4):c.16G>A (p.Gly6Ser)

Gene: TBX4 (T-box transcription factor 4; plus strand). Cytogenetic location: 17q23.2.
Variant type: single nucleotide variant.
Coding change: c.16G>A on transcript NM_001321120.2 (MANE Select); coding-DNA position 16, G replaced by A.
Protein change: p.Gly6Ser; replaces glycine 6 with serine.
Molecular consequence: missense variant.
Genome position (GRCh38, 1-based): chr17:61,456,506, G>A. VCF-style: chr17-61456506-G-A. GRCh37 (hg19) VCF-style: chr17-59533867-G-A.
Other names: c.16G>A, p.Gly6Ser (LRG_1206t1, NM_018488.3); short protein forms G6S.
Identifiers: ClinVar variation 324240 (VCV000324240.38), dbSNP rs117410176, ClinGen allele CA8689720.

ClinVar aggregate classification (germline): Benign/Likely benign. Review status: criteria provided, multiple submitters, no conflicts (2 of 4 stars). 5 submissions from 5 submitters: Benign (1); Likely benign (3). 1 of the submissions does not count toward it. Last evaluated 2025-09-03.

Conditions:
Coxopodopatellar syndrome. Also called: Congenital coxa vara, patella aplasia and tarsal synostosis; SCOTT-TAOR SYNDROME; Small patella syndrome; ISCHIOCOXOPODOPATELLAR SYNDROME; PATELLA APLASIA, COXA VARA, AND TARSAL SYNOSTOSIS; ISCHIOCOXOPODOPATELLAR SYNDROME WITH OR WITHOUT PULMONARY ARTERIAL HYPERTENSION. Identifiers: Orphanet 1509, MedGen C1840061, MONDO:0007841, OMIM 147891.
TBX4-related disorder. Also called: TBX4-related condition; TBX4-related disorders.

Allele frequency attached by ClinVar (database versions not stated): gnomAD exomes 0.00109 and 0.00188; TOPMed 0.00122; gnomAD 0.00129 and 0.00133; ExAC 0.00177; ESP Exome Variant Server 0.00054; 1000 Genomes Project 0.00060; 1000 Genomes Project 30x 0.00078.
gnomAD v4.1: 2,824 of 1,569,902 alleles (0.18%); highest among the groups gnomAD compares: Non-Finnish European, 0.22%; 6 homozygotes.

Submissions (5):

Labcorp Genetics (formerly Invitae), Labcorp
Classification: Likely benign. Last evaluated: 2025-09-03. Review status: criteria provided, single submitter. Criteria: Invitae Variant Classification Sherloc (09022015). Collection method: clinical testing. Allele origin: germline.

Blueprint Genetics
Classification: Likely benign. Last evaluated: 2024-11-21. Review status: criteria provided, single submitter. Criteria: ACMG Guidelines, 2015. Collection method: clinical testing. Allele origin: germline.

CeGaT Center for Human Genetics Tuebingen
Classification: Likely benign. Last evaluated: 2023-11-01. Review status: criteria provided, single submitter. Criteria: CeGaT Center For Human Genetics Tuebingen Variant Classification Criteria Version 2. Collection method: clinical testing. Allele origin: germline. Affected: yes. Observed: 1 variant allele.
Comment: TBX4: BS2

Illumina Laboratory Services, Illumina
Classification: Benign for Coxopodopatellar syndrome. Last evaluated: 2018-01-13. Review status: criteria provided, single submitter. Criteria: ICSL Variant Classification Criteria 13 December 2019. Collection method: clinical testing. Allele origin: germline.
Comment: This variant was observed in the ICSL laboratory as part of a predisposition screen in an ostensibly healthy population. It had not been previously curated by ICSL or reported in the Human Gene Mutation Database (HGMD: prior to June 1st, 2018), and was therefore a candidate for classification through an automated scoring system. Utilizing variant allele frequency, disease prevalence and penetrance estimates, and inheritance mode, an automated score was calculated to assess if this variant is too frequent to cause the disease. Based on the score and internal cut-off values, a variant classified as benign is not then subjected to further curation. The score for this variant resulted in a classification of benign for this disease.

PreventionGenetics, part of Exact Sciences
Classification: Likely benign for TBX4-related condition. Last evaluated: 2022-05-16. Review status: no assertion criteria provided. Collection method: clinical testing. Allele origin: germline. Not counted in ClinVar's aggregate classification.
Comment: This variant is classified as likely benign based on ACMG/AMP sequence variant interpretation guidelines (Richards et al. 2015 PMID: 25741868, with internal and published modifications).